The following is an entry in ClinVar:

NM_000222.3(KIT):c.1690A>T (p.Asn564Tyr)

Gene: KIT (KIT proto-oncogene, receptor tyrosine kinase; plus strand). Cytogenetic location: 4q12.
Variant type: single nucleotide variant.
Coding change: c.1690A>T on transcript NM_000222.3 (MANE Select); coding-DNA position 1690, A replaced by T.
Protein change: p.Asn564Tyr; replaces asparagine 564 with tyrosine.
Molecular consequence: missense variant.
Genome position (GRCh38, 1-based): chr4:54,727,458, A>T. VCF-style: chr4-54727458-A-T. GRCh37 (hg19) VCF-style: chr4-55593624-A-T.
Other names: c.1678A>T, p.Asn560Tyr (NM_001093772.2, NM_001385286.1); c.1693A>T, p.Asn565Tyr (NM_001385284.1, NM_001385290.1); c.1690A>T, p.Asn564Tyr (NM_001385285.1); c.1681A>T, p.Asn561Tyr (NM_001385288.1, NM_001385292.1); short protein forms N564Y, N560Y, N561Y, N565Y.
Identifiers: ClinVar variation 577797 (VCV000577797.10), dbSNP rs745463319, ClinGen allele CA2923560.

ClinVar aggregate classification (germline): Uncertain significance. Review status: criteria provided, multiple submitters, no conflicts (2 of 4 stars). 2 submissions from 2 submitters: Uncertain significance (2). Last evaluated 2025-11-26.

Conditions:
Gastrointestinal stromal tumor. Also called: Gastrointestinal stromal tumor, somatic; Gastrointestinal stroma tumor. Identifiers: Orphanet 44890, MedGen C0238198, MeSH D046152, MONDO:0011719, OMIM 606764, HP:0100723.
Hereditary cancer-predisposing syndrome. Also called: Hereditary Cancer Syndrome; Tumor predisposition; Neoplastic Syndromes, Hereditary; Hereditary neoplastic syndrome. Identifiers: Orphanet 140162, MedGen C0027672, MeSH D009386, MONDO:0015356.

Allele frequency attached by ClinVar (database versions not stated): gnomAD exomes below 0.00001 and 0.00001; ExAC 0.00001.

Submissions (2):

Ambry Genetics
Classification: Uncertain significance for Hereditary cancer-predisposing syndrome. Last evaluated: 2025-11-26. Review status: criteria provided, single submitter. Criteria: Ambry Variant Classification Scheme 2023. Collection method: clinical testing. Allele origin: germline.

Labcorp Genetics (formerly Invitae), Labcorp
Classification: Uncertain significance for Gastrointestinal stromal tumor. Last evaluated: 2024-10-10. Review status: criteria provided, single submitter. Criteria: Invitae Variant Classification Sherloc (09022015). Collection method: clinical testing. Allele origin: germline.
Comment: This sequence change replaces asparagine, which is neutral and polar, with tyrosine, which is neutral and polar, at codon 564 of the KIT protein (p.Asn564Tyr). This variant is present in population databases (rs745463319, gnomAD 0.002%). This variant has not been reported in the literature in individuals affected with KIT-related conditions. ClinVar contains an entry for this variant (Variation ID: 577797). An algorithm developed to predict the effect of missense changes on protein structure and function (PolyPhen-2) suggests that this variant is likely to be disruptive. In summary, the available evidence is currently insufficient to determine the role of this variant in disease. Therefore, it has been classified as a Variant of Uncertain Significance.